The following is an entry in ClinVar:

NM_001099402.2(CCNK):c.143G>A (p.Arg48Gln)

Gene: CCNK (cyclin K; plus strand). Cytogenetic location: 14q32.2.
Variant type: single nucleotide variant.
Coding change: c.143G>A on transcript NM_001099402.2 (MANE Select); coding-DNA position 143, G replaced by A.
Protein change: p.Arg48Gln; replaces arginine 48 with glutamine.
Molecular consequence: missense variant.
Genome position (GRCh38, 1-based): chr14:99,492,820, G>A. VCF-style: chr14-99492820-G-A. GRCh37 (hg19) VCF-style: chr14-99959157-G-A.
Other names: short protein forms R48Q.
Identifiers: ClinVar variation 2628479 (VCV002628479.2), dbSNP rs958424865, ClinGen allele CA266133254.

ClinVar aggregate classification (germline): Uncertain significance. Review status: criteria provided, multiple submitters, no conflicts (2 of 4 stars). 2 submissions from 2 submitters: Uncertain significance (2). Last evaluated 2023-06-24.

Conditions:
CCNK-related disorder. Also called: CCNK-related condition.

Allele frequency attached by ClinVar (database versions not stated): gnomAD exomes below 0.00001.

Submissions (2):

PreventionGenetics, part of Exact Sciences
Classification: Uncertain significance for CCNK-related condition. Last evaluated: 2023-06-24. Review status: criteria provided, single submitter. Criteria: ACMG Guidelines, 2015. Collection method: clinical testing. Allele origin: germline.
Comment: The CCNK c.143G>A variant is predicted to result in the amino acid substitution p.Arg48Gln. To our knowledge, this variant has not been reported in the literature or in a large population database, indicating this variant is rare. At this time, the clinical significance of this variant is uncertain due to the absence of conclusive functional and genetic evidence.

Clinical Genetics Laboratory, Skane University Hospital Lund
Classification: Uncertain significance. Last evaluated: 2022-05-27. Review status: criteria provided, single submitter. Criteria: ACMG Guidelines, 2015. Collection method: clinical testing. Allele origin: germline. Affected: yes.